The following is an entry in ClinVar:

NM_006346.4(PIBF1):c.946C>T (p.Leu316=)

Gene: PIBF1 (progesterone immunomodulatory binding factor 1; plus strand). Cytogenetic location: 13q22.1.
Variant type: single nucleotide variant.
Coding change: c.946C>T on transcript NM_006346.4 (MANE Select); coding-DNA position 946, C replaced by T.
Protein change: p.Leu316=; no amino-acid change (leucine 316 retained).
Molecular consequence: synonymous variant. On other transcripts: non-coding transcript variant (2).
Genome position (GRCh38, 1-based): chr13:72,827,763, C>T. VCF-style: chr13-72827763-C-T. GRCh37 (hg19) VCF-style: chr13-73401901-C-T.
Other names: c.946C>T, p.Leu316= (NM_001349655.2).
Identifiers: ClinVar variation 4704005 (VCV004704005.1).

ClinVar aggregate classification (germline): Uncertain significance (1 of 4 stars; one submission).

Submission:

Labcorp Genetics (formerly Invitae), Labcorp
Classification: Uncertain significance. Last evaluated: 2025-03-05. Review status: criteria provided, single submitter. Criteria: Invitae Variant Classification Sherloc (09022015). Collection method: clinical testing. Allele origin: germline.
Comment: This sequence change affects codon 316 of the PIBF1 mRNA. It is a 'silent' change, meaning that it does not change the encoded amino acid sequence of the PIBF1 protein. This variant is not present in population databases (gnomAD no frequency). This variant has not been reported in the literature in individuals affected with PIBF1-related conditions. Algorithms developed to predict the effect of sequence changes on RNA splicing suggest that this variant may disrupt the consensus splice site. In summary, the available evidence is currently insufficient to determine the role of this variant in disease. Therefore, it has been classified as a Variant of Uncertain Significance.